The following is an entry in ClinVar:

NM_000051.4(ATM):c.6946A>T (p.Ile2316Phe)

Genes: C11orf65 (chromosome 11 open reading frame 65; minus strand), ATM (ATM serine/threonine kinase; plus strand). Cytogenetic location: 11q22.3.
Variant type: single nucleotide variant.
Coding change: c.6946A>T on transcript NM_000051.4 (MANE Select); coding-DNA position 6946, A replaced by T.
Protein change: p.Ile2316Phe; replaces isoleucine 2316 with phenylalanine.
Molecular consequence: missense variant. On other transcripts: intron variant (2).
Genome position (GRCh38, 1-based): chr11:108,326,196, A>T. VCF-style: chr11-108326196-A-T. GRCh37 (hg19) VCF-style: chr11-108196923-A-T.
Other names: c.6946A>T, p.Ile2316Phe (NM_001351834.2); c.641-17125T>A (NM_001330368.2); c.*38+9024T>A (NM_001351110.2); short protein forms I2316F.
Identifiers: ClinVar variation 1466906 (VCV001466906.8), dbSNP rs2136338816, ClinGen allele CA382557278.
Genomic context (GRCh38, chr11:108,326,196, plus strand): 5'-GCACAAGTATTCTGGGCAAAAAAGGAGCAGAGTCTTGCCCTGAGTATTCTCAAGCAAATG[A>T]TCAAGAAGTTGGATGCCAGCTGTGCAGCGGTTTGTTTTTTTTATTGGCTGGATTAGTGTT-3'
Protein context (NP_000042.3, residues 2306-2326): SLALSILKQM[Ile2316Phe]KKLDASCAAN

ClinVar aggregate classification (germline): Uncertain significance (1 of 4 stars; one submission).

Conditions:
Ataxia-telangiectasia syndrome (AT). Also called: LOUIS-BAR SYNDROME; Cerebello-oculocutaneous telangiectasia; Immunodeficiency with ataxia telangiectasia; Ataxia telangiectasia (A-T); Ataxia-telangiectasia, complementation group D; AT, COMPLEMENTATION GROUP C. Identifiers: Orphanet 100, MedGen C0004135, MONDO:0008840, OMIM 208900.

Submission:

Labcorp Genetics (formerly Invitae), Labcorp
Classification: Uncertain significance for Ataxia-telangiectasia syndrome. Last evaluated: 2024-05-29. Review status: criteria provided, single submitter. Criteria: Invitae Variant Classification Sherloc (09022015). Collection method: clinical testing. Allele origin: germline.
Comment: This sequence change replaces isoleucine, which is neutral and non-polar, with phenylalanine, which is neutral and non-polar, at codon 2316 of the ATM protein (p.Ile2316Phe). This variant is not present in population databases (gnomAD no frequency). This variant has not been reported in the literature in individuals affected with ATM-related conditions. ClinVar contains an entry for this variant (Variation ID: 1466906). An algorithm developed to predict the effect of missense changes on protein structure and function (PolyPhen-2) suggests that this variant is likely to be disruptive. In summary, the available evidence is currently insufficient to determine the role of this variant in disease. Therefore, it has been classified as a Variant of Uncertain Significance.